The following is an entry in ClinVar:

NM_000540.3(RYR1):c.455C>T (p.Ala152Val)

Gene: RYR1 (ryanodine receptor 1; plus strand). Cytogenetic location: 19q13.2.
Variant type: single nucleotide variant.
Coding change: c.455C>T on transcript NM_000540.3 (MANE Select); coding-DNA position 455, C replaced by T.
Protein change: p.Ala152Val; replaces alanine 152 with valine.
Molecular consequence: missense variant.
Genome position (GRCh38, 1-based): chr19:38,444,179, C>T. VCF-style: chr19-38444179-C-T. GRCh37 (hg19) VCF-style: chr19-38934819-C-T.
Other names: c.455C>T, p.Ala152Val (NM_001042723.2); short protein forms A152V.
Identifiers: ClinVar variation 3903338 (VCV003903338.1).

ClinVar aggregate classification (germline): Likely pathogenic (1 of 4 stars; one submission).

Submission:

GeneDx
Classification: Likely pathogenic. Last evaluated: 2024-12-10. Review status: criteria provided, single submitter. Criteria: GeneDx Variant Classification Process June 2021. Collection method: clinical testing. Allele origin: germline. Affected: yes.
Comment: Not observed at significant frequency in large population cohorts (gnomAD); In silico analysis supports that this missense variant has a deleterious effect on protein structure/function; Has not been previously published as pathogenic or benign to our knowledge; This variant is associated with the following publications: (PMID: 33767344)